The following is an entry in ClinVar:

NM_000702.4(ATP1A2):c.*2259T>A

Gene: ATP1A2 (ATPase Na+/K+ transporting subunit alpha 2; plus strand). Cytogenetic location: 1q23.2.
Variant type: single nucleotide variant.
Coding change: c.*2259T>A on transcript NM_000702.4 (MANE Select); 2259 bases downstream of the stop codon, T replaced by A.
Molecular consequence: 3 prime UTR variant.
Genome position (GRCh38, 1-based): chr1:160,143,581, T>A. VCF-style: chr1-160143581-T-A. GRCh37 (hg19) VCF-style: chr1-160113371-T-A.
Identifiers: ClinVar variation 293189 (VCV000293189.6), dbSNP rs3747625, ClinGen allele CA10608426.

ClinVar aggregate classification (germline): Benign. Review status: criteria provided, multiple submitters, no conflicts (2 of 4 stars). 3 submissions from 2 submitters: Benign (3). Last evaluated 2018-01-12.

Conditions:
Alternating hemiplegia of childhood 1 (AHC1). Identifiers: Orphanet 2131, MedGen C3549447, MONDO:0007087, OMIM 104290.
Migraine, familial hemiplegic, 2. Identifiers: Orphanet 569, MedGen C1865322, MONDO:0011232, OMIM 602481.

Allele frequency attached by ClinVar (database versions not stated): gnomAD exomes 0.16839; 1000 Genomes Project 30x 0.21752; TOPMed 0.21770; 1000 Genomes Project 0.21785; gnomAD 0.21907 and 0.21913.
gnomAD v4.1: 33,362 of 152,250 alleles (22%); highest among the groups gnomAD compares: South Asian, 28%; 3,746 homozygotes.

Submissions (3):

Illumina Laboratory Services, Illumina
Classification: Benign for Migraine, familial hemiplegic, 2. Last evaluated: 2018-01-12. Review status: criteria provided, single submitter. Criteria: ICSL Variant Classification Criteria 13 December 2019. Collection method: clinical testing. Allele origin: germline.
Comment: This variant was observed in the ICSL laboratory as part of a predisposition screen in an ostensibly healthy population. It had not been previously curated by ICSL or reported in the Human Gene Mutation Database (HGMD: prior to June 1st, 2018), and was therefore a candidate for classification through an automated scoring system. Utilizing variant allele frequency, disease prevalence and penetrance estimates, and inheritance mode, an automated score was calculated to assess if this variant is too frequent to cause the disease. Based on the score and internal cut-off values, a variant classified as benign is not then subjected to further curation. The score for this variant resulted in a classification of benign for this disease.

Illumina Laboratory Services, Illumina
Classification: Benign for Alternating hemiplegia of childhood 1. Last evaluated: 2018-01-12. Review status: criteria provided, single submitter. Criteria: ICSL Variant Classification Criteria 13 December 2019. Collection method: clinical testing. Allele origin: germline.
Comment: the same text as in the submission from Illumina Laboratory Services, Illumina above.

Breakthrough Genomics
Classification: Benign. Review status: criteria provided, single submitter. Criteria: ACMG Guidelines, 2015. Collection method: not provided. Allele origin: germline. Inheritance: Autosomal recessive inheritance. Affected: yes.